The following is an entry in ClinVar:

ClinVar aggregate classification (germline): Uncertain significance (1 of 4 stars; one submission).

Allele frequency attached by ClinVar (database versions not stated): TOPMed 0.00003; gnomAD 0.00004; gnomAD exomes 0.00007; ExAC 0.00013.
gnomAD v4.1: 47 of 1,614,022 alleles (0.0029%); highest among the groups gnomAD compares: Admixed American, 0.078%; no homozygotes.

Submission:

Labcorp Genetics (formerly Invitae), Labcorp
Classification: Uncertain significance. Last evaluated: 2022-07-15. Review status: criteria provided, single submitter. Criteria: Invitae Variant Classification Sherloc (09022015). Collection method: clinical testing. Allele origin: germline.
Comment: This sequence change replaces glutamic acid, which is acidic and polar, with alanine, which is neutral and non-polar, at codon 491 of the ERCC5 protein (p.Glu491Ala). This variant is present in population databases (rs774961421, gnomAD 0.1%). This variant has not been reported in the literature in individuals affected with ERCC5-related conditions. Algorithms developed to predict the effect of missense changes on protein structure and function (SIFT, PolyPhen-2, Align-GVGD) all suggest that this variant is likely to be tolerated. In summary, the available evidence is currently insufficient to determine the role of this variant in disease. Therefore, it has been classified as a Variant of Uncertain Significance.

NM_000123.4(ERCC5):c.1472A>C (p.Glu491Ala)

Genes: BIVM-ERCC5 (BIVM-ERCC5 readthrough; plus strand), ERCC5 (ERCC excision repair 5, endonuclease; plus strand). Cytogenetic location: 13q33.1.
Variant type: single nucleotide variant.
Coding change: c.1472A>C on transcript NM_000123.4 (MANE Select); coding-DNA position 1472, A replaced by C.
Protein change: p.Glu491Ala; replaces glutamic acid 491 with alanine.
Molecular consequence: missense variant.
Genome position (GRCh38, 1-based): chr13:102,862,621, A>C. VCF-style: chr13-102862621-A-C. GRCh37 (hg19) VCF-style: chr13-103514971-A-C.
Other names: c.2834A>C, p.Glu945Ala (NM_001204425.2); short protein forms E491A, E945A.
Identifiers: ClinVar variation 1919523 (VCV001919523.2), dbSNP rs774961421, ClinGen allele CA7041416.
Genomic context (GRCh38, chr13:102,862,621, plus strand): 5'-TTCCAAAAGAACAAATGTCACTTGTTCACGTGGGGACTGAAGCCTTTCCGATAAGTGATG[A>C]GTCTATGATTAAGGACAGAAAAGATCGGCTGCCTCTGGAGAGTGCAGTGGTTAGACATAG-3'
Protein context (NP_000114.3, residues 481-501): VGTEAFPISD[Glu491Ala]SMIKDRKDRL